The following is an entry in ClinVar:

NM_004168.4(SDHA):c.1024G>A (p.Val342Met)

Gene: SDHA (succinate dehydrogenase complex flavoprotein subunit A; plus strand). Cytogenetic location: 5p15.33.
Variant type: single nucleotide variant.
Coding change: c.1024G>A on transcript NM_004168.4 (MANE Select); coding-DNA position 1024, G replaced by A.
Protein change: p.Val342Met; replaces valine 342 with methionine.
Molecular consequence: missense variant.
Genome position (GRCh38, 1-based): chr5:233,605, G>A. VCF-style: chr5-233605-G-A. GRCh37 (hg19) VCF-style: chr5-233720-G-A.
Other names: c.1024G>A (NM_004168.2); c.880G>A, p.Val294Met (NM_001294332.2); c.1024G>A, p.Val342Met (NM_001330758.2); short protein forms V342M, V294M.
Identifiers: ClinVar variation 2941900 (VCV002941900.4), dbSNP rs1735562520, ClinGen allele CA359012902.

ClinVar aggregate classification (germline): Uncertain significance. Review status: criteria provided, multiple submitters, no conflicts (2 of 4 stars). 2 submissions from 2 submitters: Uncertain significance (2). Last evaluated 2024-09-21.

Conditions:
Hereditary cancer-predisposing syndrome. Also called: Neoplastic Syndromes, Hereditary; Tumor predisposition; Hereditary Cancer Syndrome; Hereditary neoplastic syndrome. Identifiers: Orphanet 140162, MedGen C0027672, MeSH D009386, MONDO:0015356.
Mitochondrial complex II deficiency, nuclear type 1. Also called: SUCCINATE CoQ REDUCTASE DEFICIENCY. Identifiers: Orphanet 3208, MedGen C5700310, MONDO:0100294, OMIM 252011.
Pheochromocytoma/paraganglioma syndrome 5. Also called: Paragangliomas 5; SDHA-Related Hereditary Paraganglioma-Pheochromocytoma Syndrome. Identifiers: Orphanet 29072, MedGen C3279992, MONDO:0013602, OMIM 614165.

Allele frequency attached by ClinVar (database versions not stated): gnomAD exomes below 0.00001; gnomAD 0.00001.
gnomAD v4.1: 2 of 1,614,056 alleles (0.00012%); no homozygotes.

Submissions (2):

Ambry Genetics
Classification: Uncertain significance for Hereditary cancer-predisposing syndrome. Last evaluated: 2024-09-21. Review status: criteria provided, single submitter. Criteria: Ambry Variant Classification Scheme 2023. Collection method: clinical testing. Allele origin: germline.
Comment: The p.V342M variant (also known as c.1024G>A), located in coding exon 8 of the SDHA gene, results from a G to A substitution at nucleotide position 1024. The valine at codon 342 is replaced by methionine, an amino acid with highly similar properties. This amino acid position is conserved. In addition, the in silico prediction for this alteration is inconclusive. Based on the available evidence, the clinical significance of this variant remains unclear.

Labcorp Genetics (formerly Invitae), Labcorp
Classification: Uncertain significance for Pheochromocytoma/paraganglioma syndrome 5; Mitochondrial complex II deficiency, nuclear type 1. Last evaluated: 2023-04-15. Review status: criteria provided, single submitter. Criteria: Invitae Variant Classification Sherloc (09022015). Collection method: clinical testing. Allele origin: germline.
Comment: In summary, the available evidence is currently insufficient to determine the role of this variant in disease. Therefore, it has been classified as a Variant of Uncertain Significance. Advanced modeling of protein sequence and biophysical properties (such as structural, functional, and spatial information, amino acid conservation, physicochemical variation, residue mobility, and thermodynamic stability) performed at Invitae indicates that this missense variant is not expected to disrupt SDHA protein function. This variant has not been reported in the literature in individuals affected with SDHA-related conditions. This variant is not present in population databases (gnomAD no frequency). This sequence change replaces valine, which is neutral and non-polar, with methionine, which is neutral and non-polar, at codon 342 of the SDHA protein (p.Val342Met).